The following is an entry in ClinVar:

ClinVar aggregate classification (germline): Benign/Likely benign. Review status: criteria provided, multiple submitters, no conflicts (2 of 4 stars). 3 submissions from 3 submitters: Benign (1); Likely benign (2). Last evaluated 2025-11-25.

Conditions:
Renal cell carcinoma. Identifiers: Orphanet 217071, MedGen C0007134, MeSH D002292, MONDO:0005086, HP:0005584.
Hereditary cancer-predisposing syndrome. Also called: Tumor predisposition; Hereditary neoplastic syndrome; Hereditary Cancer Syndrome; Neoplastic Syndromes, Hereditary. Identifiers: Orphanet 140162, MedGen C0027672, MeSH D009386, MONDO:0015356.
Papillary renal cell carcinoma type 1 (RCCP1). Also called: Renal adenocarcinoma; Renal cell carcinoma 1; Renal cell carcinoma, somatic; RENAL CELL CARCINOMA, PAPILLARY, 1, SOMATIC. Identifiers: Orphanet 47044, MedGen C1336839, OMIM 605074, HP:0011797.

Allele frequency attached by ClinVar (database versions not stated): gnomAD exomes below 0.00001.
gnomAD v4.1: 6 of 1,614,226 alleles (0.00037%); highest among the groups gnomAD compares: Non-Finnish European, 0.00042%; no homozygotes.

Submissions (3):

Labcorp Genetics (formerly Invitae), Labcorp
Classification: Likely benign for Renal cell carcinoma. Last evaluated: 2025-11-25. Review status: criteria provided, single submitter. Criteria: Invitae Variant Classification Sherloc (09022015). Collection method: clinical testing. Allele origin: germline.

Myriad Genetics, Inc.
Classification: Benign for Papillary renal cell carcinoma type 1. Last evaluated: 2024-11-13. Review status: criteria provided, single submitter. Criteria: Myriad Autosomal Dominant, Autosomal Recessive and X-Linked Classification Criteria (2023). Collection method: clinical testing. Allele origin: unknown.
Comment: This variant is considered benign. This variant is a silent/synonymous amino acid change and it is not expected to impact splicing.

Ambry Genetics
Classification: Likely benign for Hereditary cancer-predisposing syndrome. Last evaluated: 2024-05-31. Review status: criteria provided, single submitter. Criteria: Ambry Variant Classification Scheme 2023. Collection method: clinical testing. Allele origin: germline.

NM_000245.4(MET):c.3150T>C (p.Thr1050=)

Gene: MET (MET proto-oncogene, receptor tyrosine kinase; plus strand). Cytogenetic location: 7q31.2.
Variant type: single nucleotide variant.
Coding change: c.3150T>C on transcript NM_000245.4 (MANE Select); coding-DNA position 3150, T replaced by C.
Protein change: p.Thr1050=; no amino-acid change (threonine 1050 retained).
Molecular consequence: synonymous variant.
Genome position (GRCh38, 1-based): chr7:116,775,002, T>C. VCF-style: chr7-116775002-T-C. GRCh37 (hg19) VCF-style: chr7-116415056-T-C.
Other names: c.3204T>C, p.Thr1068= (NM_001127500.3); c.1860T>C, p.Thr620= (NM_001324402.2).
Identifiers: ClinVar variation 3020206 (VCV003020206.5), dbSNP rs2485806709, ClinGen allele CA457218410.